The following continues an entry in ClinVar:

NM_006017.3(PROM1):c.1354dup (p.Tyr452fs)

Gene: PROM1. ClinVar aggregate classification (germline): Pathogenic/Likely pathogenic. Pathogenic (17); Likely pathogenic (2).

Submissions 12 to 26 of 26:

GeneDx
Classification: Pathogenic. Last evaluated: 2022-10-04. Review status: criteria provided, single submitter. Criteria: GeneDx Variant Classification Process June 2021. Collection method: clinical testing. Allele origin: germline. Affected: yes.
Comment: Frameshift variant predicted to result in nonsense mediated decay in a gene for which loss-of-function is a known mechanism of disease; This variant is associated with the following publications: (PMID: 19718270, 24154662, 27874104, 25472526)

Genetics and Molecular Pathology, SA Pathology
Classification: Pathogenic for Retinal dystrophy. Last evaluated: 2022-01-05. Review status: criteria provided, single submitter. Criteria: ACMG Guidelines, 2015. Collection method: clinical testing. Allele origin: germline. Affected: yes.

Ocular Genomics Institute, Massachusetts Eye and Ear
Classification: Pathogenic for Retinitis pigmentosa 41. Last evaluated: 2021-04-08. Review status: criteria provided, single submitter. Criteria: ACMG Guidelines, 2015. Collection method: research. Allele origin: germline. Affected: yes.
Comment: Through a review of available evidence we were able to apply the following criteria: PVS1, PM2, PM3, PP1-M. Based on this evidence we have classified this variant as Pathogenic.

Genetics Laboratory, Department of Biology, Semnan University
Classification: Pathogenic for Retinitis pigmentosa 41. Last evaluated: 2020-07-06. Review status: criteria provided, single submitter. Criteria: ACMG Guidelines, 2015. Collection method: research. Allele origin: germline. Inheritance: Autosomal recessive inheritance. Affected: yes. Observed: 1 variant allele, 1 homozygote.
Comment: The identified variant leads to the duplication of Nucleotide T at position 1327 of PROM1 gene CDS leading to frameshift of coding sequence. Hence, this substitution could alter the amino acid sequence and could leads to a decreased or loss of function of mutated protein.

Mendelics
Classification: Pathogenic for Retinitis pigmentosa 41. Last evaluated: 2019-05-28. Review status: criteria provided, single submitter. Criteria: Mendelics Assertion Criteria 2017. Collection method: clinical testing. Allele origin: unknown.

Centre for Genomic Medicine, Manchester, Central Manchester University Hospitals
Classification: Pathogenic for Retinitis pigmentosa 41. Last evaluated: 2019-02-01. Review status: criteria provided, single submitter. Criteria: ACMG Guidelines, 2015. Collection method: clinical testing. Allele origin: germline. Affected: yes. Observed: 1 variant allele, 1 homozygote.

Illumina Laboratory Services, Illumina
Classification: Likely pathogenic for PROM1-Related Disorders. Last evaluated: 2017-04-28. Review status: criteria provided, single submitter. Criteria: ICSL Variant Classification Criteria 09 May 2019. Collection method: clinical testing. Allele origin: germline.
Comment: The PROM1 c.1354dupT (p.Tyr452LeufsTer13) variant results in a frameshift and is predicted to result in premature termination of the protein. The p.Tyr452LeufsTer13 variant has been reported in at least five studies in a total of six individuals with PROM1-related disorders, including two homozygotes and one presumed compound heterozygote with cone or cone-rod dystrophy, and in one homozygote, one presumed compound heterozygote, and one heterozygote with retinitis pigmentosa (Pras et al. 2009; Wang et al. 2014; van Huet et al. 2015; Boulanger-Scemama et al. 2015; Habibi et al. 2016). The p.Tyr452LeufsTer13 variant was absent from 100 controls and is reported with a frequency of 0.00026 in the European (non-Finnish) population from the Exome Aggregation Consortium. While some variants in the PROM1 gene have been associated with both autosomal dominant and autosomal recessive PROM1-related disorders, review of the available literature reveals that this variant appears to be contributing to an autosomal recessive mode of inheritance for cone/cone-rod dystrophy and retinitis pigmentosa. Based on the evidence and due to the potential impact of frameshift variants, the p.Tyr452LeufsTer13 is classified as likely pathogenic for PROM1-related disorders. This variant was observed by ICSL as part of a predisposition screen in an ostensibly healthy population.

Molecular Diagnostics Laboratory, M Health Fairview: University of Minnesota
Classification: Likely pathogenic for Cone-rod dystrophy 12. Last evaluated: 2016-12-14. Review status: criteria provided, single submitter. Criteria: ACMG Guidelines, 2015. Collection method: clinical testing. Allele origin: germline. Affected: yes. Observed: 1 variant allele. Segregation with disease observed.

Institute of Human Genetics, Univ. Regensburg, Univ. Regensburg
Classification: Pathogenic for Retinal dystrophy. Last evaluated: 2023-01-01. Review status: no assertion criteria provided. Criteria: ACMG Guidelines, 2015. Collection method: clinical testing. Allele origin: germline. Affected: yes. Not counted in ClinVar's aggregate classification.

Ophthalmo-Genetics Lab, Instituto de Oftalmologia Conde de Valenciana
Classification: Pathogenic for Stargardt disease. Last evaluated: 2022-12-14. Review status: no assertion criteria provided. Collection method: research. Allele origin: biparental. Inheritance: Autosomal recessive inheritance. Affected: yes. Observed: 1 compound heterozygote. Not counted in ClinVar's aggregate classification.

Sharon lab, Hadassah-Hebrew University Medical Center
Classification: Pathogenic for Retinitis pigmentosa. Last evaluated: 2019-06-23. Review status: no assertion criteria provided. Collection method: research. Allele origin: inherited. Affected: yes. Not counted in ClinVar's aggregate classification.

Faculty of Health Sciences, Beirut Arab University
Classification: Pathogenic for Autosomal recessive Retinitis Pigmentosa. Last evaluated: 2016-11-22. Review status: no assertion criteria provided. Collection method: literature only. Allele origin: germline. Affected: yes. Observed: 1 variant allele. Not counted in ClinVar's aggregate classification.

NIHR Bioresource Rare Diseases, University of Cambridge
Classification: Pathogenic for Retinal dystrophy. Last evaluated: 2015-01-01. Review status: no assertion criteria provided. Collection method: research. Allele origin: unknown. Affected: yes. Observed: 1 variant allele. Not counted in ClinVar's aggregate classification.

Genomics England Pilot Project, Genomics England
Classification: Pathogenic for Cone-rod dystrophy 12. Review status: no assertion criteria provided. Criteria: ACGS Guidelines, 2016. Collection method: clinical testing. Allele origin: germline. Affected: yes. Not counted in ClinVar's aggregate classification.

Laboratory of Genetics in Ophthalmology, Institut Imagine
Classification: Pathogenic for Cone-rod dystrophy 2. Review status: no assertion criteria provided. Collection method: research. Allele origin: inherited. Affected: yes. Observed: 1 variant allele. Not counted in ClinVar's aggregate classification.

Literature cited by the submitters: PubMed 17605048 (cited by Department of Molecular Genetics, Istishari Arab Hospital and Labcorp Genetics (formerly Invitae), Labcorp); PubMed 19718270 (cited by 7 submitters); PubMed 24154662 (cited by 5 submitters); PubMed 25474345 (cited by Department of Molecular Genetics, Istishari Arab Hospital and Labcorp Genetics (formerly Invitae), Labcorp); PubMed 27874104 (cited by 6 submitters); PubMed 28041643 (cited by 5 submitters); PubMed 26103963 (cited by 3 submitters); PubMed 25999674 (cited by 3 submitters); PubMed 10205271 (cited by Ocular Genomics Institute, Massachusetts Eye and Ear and Molecular Diagnostics Laboratory, M Health Fairview: University of Minnesota); DOI 10.1007/s00417-018-04206-w (cited by Genetics Laboratory, Department of Biology, Semnan University); PubMed 30588538 (cited by Ophthalmo-Genetics Lab, Instituto de Oftalmologia Conde de Valenciana); PubMed 26261540 (cited by Laboratory of Genetics in Ophthalmology, Institut Imagine).